The following is an entry in ClinVar:

NM_201253.3(CRB1):c.2677-8C>T

Gene: CRB1 (crumbs cell polarity complex component 1; plus strand). Cytogenetic location: 1q31.3.
Variant type: single nucleotide variant.
Coding change: c.2677-8C>T on transcript NM_201253.3 (MANE Select); 8 bases into the intron before coding-DNA position 2677, C replaced by T.
Molecular consequence: intron variant.
Genome position (GRCh38, 1-based): chr1:197,429,441, C>T. VCF-style: chr1-197429441-C-T. GRCh37 (hg19) VCF-style: chr1-197398571-C-T.
Other names: c.2605-8C>T (NM_001257965.2); c.2129-6159C>T (NM_001257966.2); c.2341-8C>T (NM_001193640.2).
Identifiers: ClinVar variation 294680 (VCV000294680.19), dbSNP rs73071678, ClinGen allele CA1312189.

ClinVar aggregate classification (germline): Benign/Likely benign. Review status: criteria provided, multiple submitters, no conflicts (2 of 4 stars). 9 submissions from 5 submitters: Benign (3); Likely benign (5). 1 of the submissions does not count toward it. Last evaluated 2026-02-04.

Conditions:
Retinitis pigmentosa (RP). Identifiers: Orphanet 791, MedGen C0035334, MeSH D012174, MONDO:0019200, OMIM 268000. Inheritance: Autosomal dominant, autosomal recessive and X linked inheritance.
Pigmented paravenous retinochoroidal atrophy. Identifiers: Orphanet 251295, MedGen C1868310, MONDO:0008246, OMIM 172870.
Leber congenital amaurosis (LCA). Also called: Leber's amaurosis. Identifiers: Orphanet 65, MedGen C0339527, MeSH D057130, MONDO:0018998.
Leber congenital amaurosis 8 (LCA8). Identifiers: Orphanet 65, MedGen C3151202, MONDO:0013453, OMIM 613835.
Retinitis pigmentosa 12 (RP12). Also called: RP WITH OR WITHOUT PRESERVED PARAARTERIOLE RETINAL PIGMENT EPITHELIUM; RP WITH OR WITHOUT PPRPE; RETINITIS PIGMENTOSA WITH OR WITHOUT PARAARTERIOLAR PRESERVATION OF RETINAL PIGMENT EPITHELIUM. Identifiers: Orphanet 791, MedGen C1838647, MONDO:0010818, OMIM 600105.

Allele frequency attached by ClinVar (database versions not stated): gnomAD exomes 0.00092 and 0.00218; ExAC 0.00258; gnomAD 0.00908 and 0.00970; ESP Exome Variant Server 0.00992; TOPMed 0.00992; 1000 Genomes Project 0.01018; 1000 Genomes Project 30x 0.01202.
gnomAD v4.1: 2,773 of 1,613,870 alleles (0.17%); highest among the groups gnomAD compares: African/African-American, 3.2%; 49 homozygotes.

Submissions (9):

Labcorp Genetics (formerly Invitae), Labcorp
Classification: Benign for Leber congenital amaurosis 8; Retinitis pigmentosa 12. Last evaluated: 2026-02-04. Review status: criteria provided, single submitter. Criteria: Invitae Variant Classification Sherloc (09022015). Collection method: clinical testing. Allele origin: germline.

Genome-Nilou Lab
Classification: Likely benign for Leber congenital amaurosis 8. Last evaluated: 2023-04-11. Review status: criteria provided, single submitter. Criteria: ACMG Guidelines, 2015. Collection method: clinical testing. Allele origin: germline. Affected: no.

Genome-Nilou Lab
Classification: Likely benign for Pigmented paravenous retinochoroidal atrophy. Last evaluated: 2023-04-11. Review status: criteria provided, single submitter. Criteria: ACMG Guidelines, 2015. Collection method: clinical testing. Allele origin: germline. Affected: no.

Genome-Nilou Lab
Classification: Likely benign for Retinitis pigmentosa 12. Last evaluated: 2023-04-11. Review status: criteria provided, single submitter. Criteria: ACMG Guidelines, 2015. Collection method: clinical testing. Allele origin: germline. Affected: no.

Illumina Laboratory Services, Illumina
Classification: Likely benign for Leber congenital amaurosis 8. Last evaluated: 2018-01-13. Review status: criteria provided, single submitter. Criteria: ICSL Variant Classification Criteria 13 December 2019. Collection method: clinical testing. Allele origin: germline.
Comment: This variant was observed in the ICSL laboratory as part of a predisposition screen in an ostensibly healthy population. It had not been previously curated by ICSL or reported in the Human Gene Mutation Database (HGMD: prior to June 1st, 2018), and was therefore a candidate for classification through an automated scoring system. Utilizing variant allele frequency, disease prevalence and penetrance estimates, and inheritance mode, an automated score was calculated to assess if this variant is too frequent to cause the disease. Based on the score and internal cut-off values, a variant classified as likely benign is not then subjected to further curation. The score for this variant resulted in a classification of likely benign for this disease.

Illumina Laboratory Services, Illumina
Classification: Benign for Pigmented paravenous retinochoroidal atrophy. Last evaluated: 2018-01-13. Review status: criteria provided, single submitter. Criteria: ICSL Variant Classification Criteria 13 December 2019. Collection method: clinical testing. Allele origin: germline.
Comment: This variant was observed in the ICSL laboratory as part of a predisposition screen in an ostensibly healthy population. It had not been previously curated by ICSL or reported in the Human Gene Mutation Database (HGMD: prior to June 1st, 2018), and was therefore a candidate for classification through an automated scoring system. Utilizing variant allele frequency, disease prevalence and penetrance estimates, and inheritance mode, an automated score was calculated to assess if this variant is too frequent to cause the disease. Based on the score and internal cut-off values, a variant classified as benign is not then subjected to further curation. The score for this variant resulted in a classification of benign for this disease.

Illumina Laboratory Services, Illumina
Classification: Likely benign for Retinitis pigmentosa. Last evaluated: 2018-01-13. Review status: criteria provided, single submitter. Criteria: ICSL Variant Classification Criteria 13 December 2019. Collection method: clinical testing. Allele origin: germline.
Comment: the same text as in the submission from Illumina Laboratory Services, Illumina above.

GeneDx
Classification: Benign. Last evaluated: 2015-03-03. Review status: criteria provided, single submitter. Criteria: GeneDx Variant Classification Process June 2021. Collection method: clinical testing. Allele origin: germline. Affected: yes.

Natera, Inc.
Classification: Benign for Leber congenital amaurosis. Last evaluated: 2020-09-16. Review status: no assertion criteria provided. Collection method: clinical testing. Allele origin: germline. Not counted in ClinVar's aggregate classification.